The following is an entry in ClinVar:

ClinVar aggregate classification (germline): Pathogenic/Likely pathogenic. Review status: criteria provided, multiple submitters, no conflicts (2 of 4 stars). 4 submissions from 4 submitters: Pathogenic (2); Likely pathogenic (2). Last evaluated 2025-11-15.

Conditions:
CFTR-related disorder (CFTR-RD). Also called: CFTR-related disorders; CFTR-related condition. Identifiers: MedGen C5924204, MONDO:7770004.
Cystic fibrosis (CF). Also called: MUCOVISCIDOSIS. Identifiers: Orphanet 586, MedGen C0010674, MONDO:0009061, OMIM 219700. Disease mechanism: loss of function.
Bronchiectasis with or without elevated sweat chloride 1 (BESC1). Also called: Cystic Fibrosis-Like Syndrome. Identifiers: Orphanet 60033, MedGen C2749757, MONDO:0008887, OMIM 211400.
Hereditary pancreatitis (PCTT). Also called: PRSS1-Related Hereditary Pancreatitis; Hereditary chronic pancreatitis. Identifiers: Orphanet 676, MedGen C0238339, MONDO:0008185, OMIM 167800.
Congenital bilateral aplasia of vas deferens from CFTR mutation (CBAVD). Identifiers: Orphanet 48, MedGen C0403814, MONDO:0010178, OMIM 277180. Disease mechanism: loss of function.

Submissions (4):

Natera, Inc.
Classification: Likely pathogenic for CFTR-related disorders. Last evaluated: 2025-11-15. Review status: criteria provided, single submitter. Criteria: Natera Variant Classification Schema (03/2026). Collection method: clinical testing. Allele origin: germline.
Comment: The c.1972dupA variant in CFTR is a frameshift variant predicted to shift the reading frame beginning at codon 658 and leads to a stop codon 7 codons downstream. This variant is expected to result in nonsense mediated decay, truncation, or a dysfunctional protein product. This variant is rare in the general population with a frequency below the threshold expected for the associated phenotype(s). Given the available evidence, this variant is classified as Likely Pathogenic.

3billion
Classification: Pathogenic for Cystic fibrosis. Last evaluated: 2025-08-01. Review status: criteria provided, single submitter. Criteria: ACMG Guidelines, 2015. Collection method: clinical testing. Allele origin: germline. Affected: yes.
Comment: The variant is observed at an extremely low frequency in the gnomAD v4.1.0 dataset (total allele frequency: <0.001%). Predicted Consequence/Location: Frameshift: predicted to result in a loss or disruption of normal protein function through nonsense-mediated decay (NMD) or protein truncation. Multiple pathogenic variants are reported downstream of the variant. The variant has been reported at least twice as pathogenic without evidence for the classification (ClinVar ID: VCV002691445 /PMID: 31036917 /3billion dataset). Therefore, this variant is classified as Pathogenic according to the recommendation of ACMG/AMP guideline.

Fulgent Genetics
Classification: Likely pathogenic for Hereditary pancreatitis; Bronchiectasis with or without elevated sweat chloride 1; Cystic fibrosis; Congenital bilateral aplasia of vas deferens from CFTR mutation. Last evaluated: 2024-05-05. Review status: criteria provided, single submitter. Criteria: ACMG Guidelines, 2015. Collection method: clinical testing. Allele origin: germline.

Women's Health and Genetics/Laboratory Corporation of America, LabCorp
Classification: Pathogenic for Cystic fibrosis. Last evaluated: 2023-12-29. Review status: criteria provided, single submitter. Criteria: LabCorp Variant Classification Summary - May 2015. Collection method: clinical testing. Allele origin: germline.
Comment: Variant summary: CFTR c.1972dupA (p.Arg658LysfsX7) results in a premature termination codon, predicted to cause a truncation of the encoded protein or absence of the protein due to nonsense mediated decay, which are commonly known mechanisms for disease. The variant was absent in 250848 control chromosomes (gnomAD). c.1972dupA has been reported in the literature in at least one individual affected with Cystic Fibrosis (Raraigh_2022). The following publication was ascertained in the context of this evaluation (PMID: 34782259). No submitters have reported clinical-significance assessments for this variant to ClinVar after 2014. Based on the evidence outlined above, the variant was classified as pathogenic.

Literature cited by the submitters: PubMed 31036917 (cited by 3billion); PubMed 34782259 (cited by Women's Health and Genetics/Laboratory Corporation of America, LabCorp).

NM_000492.4(CFTR):c.1972dup (p.Arg658fs)

Gene: CFTR (CF transmembrane conductance regulator; plus strand). Cytogenetic location: 7q31.2.
Variant type: Duplication.
Coding change: c.1972dup on transcript NM_000492.4 (MANE Select); coding-DNA position 1972, one base duplicated (A; older notation c.1972dupA).
Protein change: p.Arg658fs; shifts the reading frame from arginine 658.
Molecular consequence: frameshift variant.
Genome position (GRCh38, 1-based): chr7:117,592,139, A duplicated; the last of 2 consecutive A bases (chr7:117,592,138-117,592,139); duplicating either gives the same sequence. VCF-style (leftmost placement, unchanged base first): chr7-117592137-G-GA. GRCh37 (hg19) VCF-style: chr7-117232191-G-GA.
Other names: c.1972dupA (NM_000492.4, NM_000492.3); short protein forms R658fs.
Identifiers: ClinVar variation 2691445 (VCV002691445.5), dbSNP rs2485109599, ClinGen allele CA2684619355.
Genomic context (GRCh38, chr7:117,592,137, plus strand): 5'-AGCCAGACTTTAGCTCAAAACTCATGGGATGTGATTCTTTCGACCAATTTAGTGCAGAAA[G>GA]AAGAAATTCAATCCTAACTGAGACCTTACACCGTTTCTCATTAGAAGGAGATGCTCCTGT-3'